The following is an entry in ClinVar:

NM_006516.4(SLC2A1):c.1108G>A (p.Val370Met)

Gene: SLC2A1 (solute carrier family 2 member 1; minus strand). Cytogenetic location: 1p34.2.
Variant type: single nucleotide variant.
Coding change: c.1108G>A on transcript NM_006516.4 (MANE Select); coding-DNA position 1108, G replaced by A.
Protein change: p.Val370Met; replaces valine 370 with methionine.
Molecular consequence: missense variant.
Genome position (GRCh38, 1-based): chr1:42,927,775, C>T on the plus strand (G>A on the coding strand, the complement: SLC2A1 is on the minus strand). VCF-style: chr1-42927775-C-T. GRCh37 (hg19) VCF-style: chr1-43393446-C-T.
Other names: p.V370M:GTG>ATG; short protein forms V370M.
Identifiers: ClinVar variation 207207 (VCV000207207.16), dbSNP rs751573593, ClinGen allele CA318459.
Genomic context (GRCh38, chr1:42,927,775, plus strand): 5'-TGAACCATGGGATGGGGCCAGGACCCACTTCAAAGAAGGCCACAAAGCCAAAGATGGCCA[C>T]GATGCTCAGATAGGACATCCAGGGTAGCTGCTCCTGTTGAGGATGACGGAGAGGGGGAAA-3'
Protein context (NP_006507.2, residues 360-380): QLPWMSYLSI[Val370Met]AIFGFVAFFE

ClinVar aggregate classification (germline): Conflicting classifications of pathogenicity. Review status: criteria provided, conflicting classifications (1 of 4 stars). 4 submissions from 4 submitters: Uncertain significance (2); Likely benign (1). 1 of the submissions does not count toward it. Last evaluated 2025-12-09.

Conditions:
SLC2A1-related disorder. Also called: SLC2A1-related condition; SLC2A1-related disorders.
GLUT1 deficiency syndrome 1, autosomal recessive. Identifiers: MedGen C3149117.

Allele frequency attached by ClinVar (database versions not stated): TOPMed 0.00004; gnomAD exomes 0.00005 and 0.00008; gnomAD 0.00006; ExAC 0.00008.
gnomAD v4.1: 91 of 1,613,646 alleles (0.0056%); highest among the groups gnomAD compares: East Asian, 0.025%; 1 homozygote.

Submissions (4):

Labcorp Genetics (formerly Invitae), Labcorp
Classification: Uncertain significance for GLUT1 deficiency syndrome 1, autosomal recessive. Last evaluated: 2025-12-09. Review status: criteria provided, single submitter. Criteria: Invitae Variant Classification Sherloc (09022015). Collection method: clinical testing. Allele origin: germline.
Comment: This sequence change replaces valine, which is neutral and non-polar, with methionine, which is neutral and non-polar, at codon 370 of the SLC2A1 protein (p.Val370Met). This variant is present in population databases (rs751573593, gnomAD 0.03%). This variant has not been reported in the literature in individuals affected with SLC2A1-related conditions. ClinVar contains an entry for this variant (Variation ID: 207207). Invitae Evidence Modeling of protein sequence and biophysical properties (such as structural, functional, and spatial information, amino acid conservation, physicochemical variation, residue mobility, and thermodynamic stability) indicates that this missense variant is expected to disrupt SLC2A1 protein function with a positive predictive value of 95%. In summary, the available evidence is currently insufficient to determine the role of this variant in disease. Therefore, it has been classified as a Variant of Uncertain Significance.

Laboratorio de Genetica e Diagnostico Molecular, Hospital Israelita Albert Einstein
Classification: Uncertain significance. Last evaluated: 2020-02-05. Review status: criteria provided, single submitter. Criteria: ACMG Guidelines, 2015. Collection method: clinical testing. Allele origin: germline. Affected: yes.

GeneDx
Classification: Likely benign. Last evaluated: 2018-11-01. Review status: criteria provided, single submitter. Criteria: GeneDx Variant Classification Process June 2021. Collection method: clinical testing. Allele origin: germline. Affected: yes.

PreventionGenetics, part of Exact Sciences
Classification: Uncertain significance for SLC2A1-related condition. Last evaluated: 2023-10-23. Review status: no assertion criteria provided. Collection method: clinical testing. Allele origin: germline. Not counted in ClinVar's aggregate classification.
Comment: The SLC2A1 c.1108G>A variant is predicted to result in the amino acid substitution p.Val370Met. To our knowledge, this variant has not been reported in the literature. This variant is reported in 0.027% of alleles in individuals of East Asian descent in gnomAD. At this time, the clinical significance of this variant is uncertain due to the absence of conclusive functional and genetic evidence.